The following is an entry in ClinVar:

NM_004415.4(DSP):c.2793+6_2793+7insCAAAAAGA

Gene: DSP (desmoplakin; plus strand). Cytogenetic location: 6p24.3.
Variant type: Insertion.
Coding change: c.2793+6_2793+7insCAAAAAGA on transcript NM_004415.4 (MANE Select); bases 6 to 7 of the intron after coding-DNA position 2793, CAAAAAGA inserted.
Molecular consequence: intron variant.
Genome position: GRCh38 VCF-style: chr6-7576461-A-AACAAAAAG. GRCh37 (hg19) VCF-style: chr6-7576694-A-AACAAAAAG.
Other names: c.2793+6_2793+7insCAAAAAGA (NM_001319034.2, NM_001008844.3).
Identifiers: ClinVar variation 3074158 (VCV003074158.1), dbSNP rs2533911892, ClinGen allele CA2825001483.

ClinVar aggregate classification (germline): Uncertain significance (1 of 4 stars; one submission).

Conditions:
Arrhythmogenic cardiomyopathy with wooly hair and keratoderma. Also called: PALMOPLANTAR KERATODERMA WITH LEFT VENTRICULAR CARDIOMYOPATHY AND WOOLLY HAIR; Carvajal syndrome; Dilated cardiomyopathy with woolly hair and keratoderma; Arrhythmogenic cardiomyopathy with woolly hair and keratoderma. Identifiers: Orphanet 65282, MedGen C1854063, MONDO:0011581, OMIM 605676.

Submission:

All of Us Research Program, National Institutes of Health
Classification: Uncertain significance for Arrhythmogenic cardiomyopathy with wooly hair and keratoderma. Last evaluated: 2023-10-23. Review status: criteria provided, single submitter. Criteria: ACMG Guidelines, 2015. Collection method: clinical testing. Allele origin: germline. Inheritance: Autosomal dominant inheritance. Observed: 1 variant allele, 1 heterozygote.
Comment: This variant causes an insertion of 8 nucleotides in intron 19 of the DSP gene. To our knowledge, functional studies have not been reported for this variant. This variant has not been reported in individuals affected with DSP-related disorders in the literature. This variant has not been identified in the general population by the Genome Aggregation Database (gnomAD). The available evidence is insufficient to determine the role of this variant in disease conclusively. Therefore, this variant is classified as a Variant of Uncertain Significance.

This study involves interpretation of variants in research participants for the purpose of population health screening. Participant phenotype was not available at the time of variant classification. Additional details can be found in publication PMID: 35346344, PMCID: PMC8962531